The following is an entry in ClinVar:

ClinVar aggregate classification (germline): Uncertain significance (1 of 4 stars; one submission).

Conditions:
Polycystic kidney disease, adult type (PKD1). Also called: Polycystic Kidney Disease 1, Autosomal Dominant; Polycystic kidney disease 1; Polycystic kidney disease 1, severe; POLYCYSTIC KIDNEY DISEASE, ADULT, TYPE I; POLYCYSTIC KIDNEY DISEASE 1 WITH OR WITHOUT POLYCYSTIC LIVER DISEASE; Polycystic Kidney, Autosomal Dominant. Identifiers: MedGen C3149841, MONDO:0008263, OMIM 173900.

Submission:

ARUP Laboratories, Molecular Genetics and Genomics, ARUP Laboratories
Classification: Uncertain significance for Polycystic kidney disease, adult type. Last evaluated: 2020-01-03. Review status: criteria provided, single submitter. Criteria: ARUP Molecular Germline Variant Investigation Process. Collection method: clinical testing. Allele origin: germline.
Comment: The PKD1 c.2914A>G; p.Lys972Glu variant, to our knowledge, is not reported in the medical literature or gene specific databases. This variant is also absent from general population databases (Exome Variant Server, Genome Aggregation Database), indicating it is not a common polymorphism. The lysine at codon 972 is highly conserved, and computational analyses (SIFT: tolerated, PolyPhen-2: probably damaging) predict conflicting effects of this variant on protein structure/function. Due to limited information, the clinical significance of the p.Lys972Glu variant is uncertain at this time.

NM_001009944.3(PKD1):c.2914A>G (p.Lys972Glu)

Gene: PKD1 (polycystin 1, transient receptor potential channel interacting; minus strand). Cytogenetic location: 16p13.3.
Variant type: single nucleotide variant.
Coding change: c.2914A>G on transcript NM_001009944.3 (MANE Select); coding-DNA position 2914, A replaced by G.
Protein change: p.Lys972Glu; replaces lysine 972 with glutamic acid.
Molecular consequence: missense variant.
Genome position (GRCh38, 1-based): chr16:2,113,232, T>C on the plus strand (A>G on the coding strand, the complement: PKD1 is on the minus strand). VCF-style: chr16-2113232-T-C. GRCh37 (hg19) VCF-style: chr16-2163233-T-C.
Other names: c.2914A>G, p.Lys972Glu (NM_000296.4); short protein forms K972E.
Identifiers: ClinVar variation 994214 (VCV000994214.8), dbSNP rs2092566273, ClinGen allele CA394385630.